The following is an entry in ClinVar:

Conditions:
Breast-ovarian cancer, familial, susceptibility to, 1 (BROVCA1). Also called: BRCA1 Hereditary Breast and Ovarian Cancer; OVARIAN CANCER, SUSCEPTIBILITY TO. Identifiers: Orphanet 145, MedGen C2676676, MONDO:0011450, OMIM 604370. Disease mechanism: loss of function.

Submission:

Brotman Baty Institute, University of Washington
No classification provided (evidence only). Condition: Breast-ovarian cancer, familial 1. Review status: no classification provided. Collection method: in vitro. Allele origin: not applicable. Functional consequence: functionally_normal.
ClinVar note: "not provided" was previously submitted as the classification for the variant. However, the classification appeared to be based only on an observation of functional data so it was converted to no classification on 2025-07-30.

NM_007294.4(BRCA1):c.5194-6T>G

Gene: BRCA1 (BRCA1 DNA repair associated; minus strand). Cytogenetic location: 17q21.31.
Variant type: single nucleotide variant.
Coding change: c.5194-6T>G on transcript NM_007294.4 (MANE Select); 6 bases into the intron before coding-DNA position 5194, T replaced by G.
Molecular consequence: intron variant.
Genome position (GRCh38, 1-based): chr17:43,057,141, A>C on the plus strand (T>G on the coding strand, the complement: BRCA1 is on the minus strand). VCF-style: chr17-43057141-A-C. GRCh37 (hg19) VCF-style: chr17-41209158-A-C.
Other names: c.1741-6T>G (NM_001408458.1, NM_001408461.1, NM_001408464.1 and 7 more transcripts); c.4303-6T>G (NM_001407967.1); c.4813-6T>G (NM_001407959.1); c.4927-6T>G (NM_001407931.1, NM_001407932.1, NM_001407928.1 and 4 more transcripts); c.5050-6T>G (NM_001407747.1, NM_001407745.1, NM_001407737.1 and 21 more transcripts); c.4810-6T>G (NM_001407962.1, NM_001407960.1); c.1381-6T>G (NM_001408512.1); c.1504-6T>G (NM_001408510.1); and 72 more.
Identifiers: ClinVar variation 868165 (VCV000868165.3), dbSNP rs201152151, ClinGen allele CA916081193.